The following is an entry in ClinVar:

NM_152564.5(VPS13B):c.11167G>A (p.Gly3723Ser)

Gene: VPS13B (vacuolar protein sorting 13 homolog B; plus strand). Cytogenetic location: 8q22.2.
Variant type: single nucleotide variant.
Coding change: c.11167G>A on transcript NM_152564.5 (MANE Select); coding-DNA position 11167, G replaced by A.
Protein change: p.Gly3723Ser; replaces glycine 3723 with serine.
Molecular consequence: missense variant.
Genome position (GRCh38, 1-based): chr8:99,861,898, G>A. VCF-style: chr8-99861898-G-A. GRCh37 (hg19) VCF-style: chr8-100874126-G-A.
Other names: c.11242G>A, p.Gly3748Ser (NM_017890.5); short protein forms G3723S, G3748S.
Identifiers: ClinVar variation 2117121 (VCV002117121.4), dbSNP rs1816856108, ClinGen allele CA371790671.

ClinVar aggregate classification (germline): Uncertain significance (1 of 4 stars; one submission).

Conditions:
Cohen syndrome (COH1). Also called: Cutis verticis gyrata, retinitis pigmentosa, and sensorineural deafness; PEPPER SYNDROME. Identifiers: Orphanet 193, MedGen C0265223, MONDO:0008999, OMIM 216550.

Submission:

Labcorp Genetics (formerly Invitae), Labcorp
Classification: Uncertain significance for Cohen syndrome. Last evaluated: 2022-10-13. Review status: criteria provided, single submitter. Criteria: Invitae Variant Classification Sherloc (09022015). Collection method: clinical testing. Allele origin: germline.
Comment: In summary, the available evidence is currently insufficient to determine the role of this variant in disease. Therefore, it has been classified as a Variant of Uncertain Significance. Advanced modeling of protein sequence and biophysical properties (such as structural, functional, and spatial information, amino acid conservation, physicochemical variation, residue mobility, and thermodynamic stability) performed at Invitae indicates that this missense variant is not expected to disrupt VPS13B protein function. This variant has not been reported in the literature in individuals affected with VPS13B-related conditions. This variant is not present in population databases (gnomAD no frequency). This sequence change replaces glycine, which is neutral and non-polar, with serine, which is neutral and polar, at codon 3748 of the VPS13B protein (p.Gly3748Ser).